The following is an entry in ClinVar:

ClinVar aggregate classification (germline): Likely benign. Review status: criteria provided, multiple submitters, no conflicts (2 of 4 stars). 3 submissions from 3 submitters: Likely benign (3). Last evaluated 2026-07-01.

Allele frequency attached by ClinVar (database versions not stated): gnomAD 0.00002; TOPMed 0.00003; ExAC 0.00006; ESP Exome Variant Server 0.00015.
gnomAD v4.1: 60 of 1,612,676 alleles (0.0037%); highest among the groups gnomAD compares: South Asian, 0.0077%; no homozygotes.

Submissions (3):

CeGaT Center for Human Genetics Tuebingen
Classification: Likely benign. Last evaluated: 2026-07-01. Review status: criteria provided, single submitter. Criteria: CeGaT Center For Human Genetics Tuebingen Variant Classification Criteria Version 2. Collection method: clinical testing. Allele origin: germline. Affected: yes. Observed: 7 variant alleles.
Comment: ARID1B: BP4, BS2

Labcorp Genetics (formerly Invitae), Labcorp
Classification: Likely benign. Last evaluated: 2025-08-08. Review status: criteria provided, single submitter. Criteria: Invitae Variant Classification Sherloc (09022015). Collection method: clinical testing. Allele origin: germline.

Blueprint Genetics
Classification: Likely benign. Last evaluated: 2024-10-01. Review status: criteria provided, single submitter. Criteria: ACMG Guidelines, 2015. Collection method: clinical testing. Allele origin: germline.

NM_001374828.1(ARID1B):c.5903G>A (p.Arg1968His)

Gene: ARID1B (AT-rich interaction domain 1B; plus strand). Cytogenetic location: 6q25.3.
Variant type: single nucleotide variant.
Coding change: c.5903G>A on transcript NM_001374828.1 (MANE Select); coding-DNA position 5903, G replaced by A.
Protein change: p.Arg1968His; replaces arginine 1968 with histidine.
Molecular consequence: missense variant.
Genome position (GRCh38, 1-based): chr6:157,206,675, G>A. VCF-style: chr6-157206675-G-A. GRCh37 (hg19) VCF-style: chr6-157527809-G-A.
Other names: c.3404G>A, p.Arg1135His (NM_001363725.2); c.5783G>A, p.Arg1928His (NM_001371656.1, NM_001374820.1); c.5744G>A, p.Arg1915His (NM_017519.3); short protein forms R1135H, R1915H, R1928H, R1968H.
Identifiers: ClinVar variation 1610893 (VCV001610893.37), dbSNP rs374035954, ClinGen allele CA4067915.
Genomic context (GRCh38, chr6:157,206,675, plus strand): 5'-ACACCACCGAGCACATTCAGACTCACTTTGAGAGCAAGATGGAAATTCCTCCTCGCAGGC[G>A]CCCACCTCCCCCCTTAAGCTCCGCAGGTAGAAAGAAAGAGCAAGAAGGCAAAGGCGACTC-3'
Protein context (NP_001361757.1, residues 1958-1978): ESKMEIPPRR[Arg1968His]PPPPLSSAGR